The following is an entry in ClinVar:

ClinVar aggregate classification (germline): Uncertain significance (1 of 4 stars; one submission).

Allele frequency attached by ClinVar (database versions not stated): gnomAD exomes below 0.00001; TOPMed 0.00001.
gnomAD v4.1: 2 of 1,607,678 alleles (0.00012%); highest among the groups gnomAD compares: Non-Finnish European, 0.000085%; no homozygotes.

Submission:

Labcorp Genetics (formerly Invitae), Labcorp
Classification: Uncertain significance. Last evaluated: 2023-11-17. Review status: criteria provided, single submitter. Criteria: Invitae Variant Classification Sherloc (09022015). Collection method: clinical testing. Allele origin: germline.
Comment: This sequence change replaces phenylalanine, which is neutral and non-polar, with leucine, which is neutral and non-polar, at codon 517 of the PLAA protein (p.Phe517Leu). This variant is not present in population databases (gnomAD no frequency). This variant has not been reported in the literature in individuals affected with PLAA-related conditions. An algorithm developed to predict the effect of missense changes on protein structure and function (PolyPhen-2) suggests that this variant is likely to be tolerated. In summary, the available evidence is currently insufficient to determine the role of this variant in disease. Therefore, it has been classified as a Variant of Uncertain Significance.

NM_001031689.3(PLAA):c.1549T>C (p.Phe517Leu)

Gene: PLAA (phospholipase A2 activating protein; minus strand). Cytogenetic location: 9p21.2.
Variant type: single nucleotide variant.
Coding change: c.1549T>C on transcript NM_001031689.3 (MANE Select); coding-DNA position 1549, T replaced by C.
Protein change: p.Phe517Leu; replaces phenylalanine 517 with leucine.
Molecular consequence: missense variant.
Genome position (GRCh38, 1-based): chr9:26,913,885, A>G on the plus strand (T>C on the coding strand, the complement: PLAA is on the minus strand). VCF-style: chr9-26913885-A-G. GRCh37 (hg19) VCF-style: chr9-26913883-A-G.
Other names: c.1480T>C, p.Phe494Leu (NM_001321546.2); short protein forms F517L, F494L.
Identifiers: ClinVar variation 2916718 (VCV002916718.3), dbSNP rs1438160394, ClinGen allele CA373130634.